The following is an entry in ClinVar:

ClinVar aggregate classification (germline): Uncertain significance. Review status: criteria provided, multiple submitters, no conflicts (2 of 4 stars). 4 submissions from 4 submitters: Uncertain significance (4). Last evaluated 2024-11-15.

Conditions:
Hereditary cancer-predisposing syndrome. Also called: Tumor predisposition; Hereditary Cancer Syndrome; Hereditary neoplastic syndrome; Neoplastic Syndromes, Hereditary. Identifiers: Orphanet 140162, MedGen C0027672, MeSH D009386, MONDO:0015356.
Intellectual disability, autosomal dominant 16 (CSS4). Also called: COFFIN-SIRIS SYNDROME 4. Identifiers: Orphanet 1465, MedGen C3553249, MONDO:0013821, OMIM 614609.
Rhabdoid tumor predisposition syndrome 2 (RTPS2). Identifiers: Orphanet 231108, Orphanet 69077, MedGen C2750074, MONDO:0013224, OMIM 613325.

Submissions (4):

Quest Diagnostics Nichols Institute San Juan Capistrano
Classification: Uncertain significance. Last evaluated: 2024-11-15. Review status: criteria provided, single submitter. Criteria: Quest Diagnostics criteria. Collection method: clinical testing. Allele origin: unknown.
Comment: The SMARCA4 c.1264G>A (p.Val422Met) variant has not been reported in individuals with SMARCA4-related conditions in the published literature. It also has not been reported in large, multi-ethnic general populations (Genome Aggregation Database). Analysis of this variant using bioinformatics tools for the prediction of the effect of amino acid changes on protein structure and function yielded predictions that this variant is damaging. Based on the available information, we are unable to determine the clinical significance of this variant.

Ambry Genetics
Classification: Uncertain significance for Hereditary cancer-predisposing syndrome. Last evaluated: 2024-03-12. Review status: criteria provided, single submitter. Criteria: Ambry Variant Classification Scheme 2023. Collection method: clinical testing. Allele origin: germline.
Comment: The p.V422M variant (also known as c.1264G>A), located in coding exon 7 of the SMARCA4 gene, results from a G to A substitution at nucleotide position 1264. The valine at codon 422 is replaced by methionine, an amino acid with highly similar properties. This amino acid position is well conserved in available vertebrate species. In addition, this alteration is predicted to be tolerated by in silico analysis. Since supporting evidence is limited at this time, the clinical significance of this alteration remains unclear.

Labcorp Genetics (formerly Invitae), Labcorp
Classification: Uncertain significance for Rhabdoid tumor predisposition syndrome 2. Last evaluated: 2023-11-15. Review status: criteria provided, single submitter. Criteria: Invitae Variant Classification Sherloc (09022015). Collection method: clinical testing. Allele origin: germline.
Comment: This sequence change replaces valine, which is neutral and non-polar, with methionine, which is neutral and non-polar, at codon 422 of the SMARCA4 protein (p.Val422Met). This variant is not present in population databases (gnomAD no frequency). This variant has not been reported in the literature in individuals affected with SMARCA4-related conditions. ClinVar contains an entry for this variant (Variation ID: 537793). Advanced modeling of protein sequence and biophysical properties (such as structural, functional, and spatial information, amino acid conservation, physicochemical variation, residue mobility, and thermodynamic stability) performed at Invitae indicates that this missense variant is not expected to disrupt SMARCA4 protein function with a negative predictive value of 95%. In summary, the available evidence is currently insufficient to determine the role of this variant in disease. Therefore, it has been classified as a Variant of Uncertain Significance.

Genome-Nilou Lab
Classification: Uncertain significance for Intellectual disability, autosomal dominant 16. Last evaluated: 2021-07-15. Review status: criteria provided, single submitter. Criteria: ACMG Guidelines, 2015. Collection method: clinical testing. Allele origin: germline. Affected: no.

NM_003072.5(SMARCA4):c.1264G>A (p.Val422Met)

Gene: SMARCA4 (SWI/SNF related BAF chromatin remodeling complex subunit ATPase 4; plus strand). Cytogenetic location: 19p13.2.
Variant type: single nucleotide variant.
Coding change: c.1264G>A on transcript NM_003072.5 (MANE Select); coding-DNA position 1264, G replaced by A.
Protein change: p.Val422Met; replaces valine 422 with methionine.
Molecular consequence: missense variant. On other transcripts: non-coding transcript variant (1).
Genome position (GRCh38, 1-based): chr19:10,991,168, G>A. VCF-style: chr19-10991168-G-A. GRCh37 (hg19) VCF-style: chr19-11101844-G-A.
Other names: c.1264G>A, p.Val422Met (NM_001128844.3, NM_001128845.2, NM_001128846.2 and 5 more transcripts); short protein forms V422M.
Identifiers: ClinVar variation 537793 (VCV000537793.18), dbSNP rs1555757536, ClinGen allele CA404060526.